The following is an entry in ClinVar:

NM_004260.4(RECQL4):c.2720A>G (p.Gln907Arg)

Gene: RECQL4 (RecQ like helicase 4; minus strand). Cytogenetic location: 8q24.3.
Variant type: single nucleotide variant.
Coding change: c.2720A>G on transcript NM_004260.4 (MANE Select); coding-DNA position 2720, A replaced by G.
Protein change: p.Gln907Arg; replaces glutamine 907 with arginine.
Molecular consequence: missense variant.
Genome position (GRCh38, 1-based): chr8:144,512,882, T>C on the plus strand (A>G on the coding strand, the complement: RECQL4 is on the minus strand). VCF-style: chr8-144512882-T-C. GRCh37 (hg19) VCF-style: chr8-145738265-T-C.
Other names: short protein forms Q907R.
Identifiers: ClinVar variation 1042962 (VCV001042962.3), dbSNP rs1827518669, ClinGen allele CA372675001.

ClinVar aggregate classification (germline): Uncertain significance (1 of 4 stars; one submission).

Conditions:
Baller-Gerold syndrome (BGS). Also called: CRANIOSYNOSTOSIS WITH RADIAL DEFECTS. Identifiers: Orphanet 1225, MedGen C0265308, MONDO:0009039, OMIM 218600.

Allele frequency attached by ClinVar (database versions not stated): TOPMed below 0.00001.

Submission:

Labcorp Genetics (formerly Invitae), Labcorp
Classification: Uncertain significance for Baller-Gerold syndrome. Last evaluated: 2020-09-20. Review status: criteria provided, single submitter. Criteria: Invitae Variant Classification Sherloc (09022015). Collection method: clinical testing. Allele origin: germline.
Comment: This sequence change replaces glutamine with arginine at codon 907 of the RECQL4 protein (p.Gln907Arg). The glutamine residue is highly conserved and there is a small physicochemical difference between glutamine and arginine. In summary, the available evidence is currently insufficient to determine the role of this variant in disease. Therefore, it has been classified as a Variant of Uncertain Significance. Experimental studies and prediction algorithms are not available or were not evaluated, and the functional significance of this variant is currently unknown. This variant has not been reported in the literature in individuals with RECQL4-related conditions. This variant is not present in population databases (ExAC no frequency).